The following is an entry in ClinVar:

ClinVar aggregate classification (germline): Likely benign (0 of 4 stars; one submission).

Conditions:
ITSN1-related disorder. Also called: ITSN1-related condition.

Allele frequency attached by ClinVar (database versions not stated): gnomAD 0.00001; TOPMed 0.00001.
gnomAD v4.1: 44 of 1,610,202 alleles (0.0027%); highest among the groups gnomAD compares: Non-Finnish European, 0.003%; no homozygotes.

Submission:

PreventionGenetics, part of Exact Sciences
Classification: Likely benign for ITSN1-related condition. Last evaluated: 2020-05-19. Review status: no assertion criteria provided. Collection method: clinical testing. Allele origin: germline.
Comment: This variant is classified as likely benign based on ACMG/AMP sequence variant interpretation guidelines (Richards et al. 2015 PMID: 25741868, with internal and published modifications).

NM_003024.3(ITSN1):c.3891-6G>A

Gene: ITSN1 (intersectin 1; plus strand). Cytogenetic location: 21q22.11.
Variant type: single nucleotide variant.
Coding change: c.3891-6G>A on transcript NM_003024.3 (MANE Select); 6 bases into the intron before coding-DNA position 3891, G replaced by A.
Molecular consequence: intron variant.
Genome position (GRCh38, 1-based): chr21:33,865,145, G>A. VCF-style: chr21-33865145-G-A. GRCh37 (hg19) VCF-style: chr21-35237449-G-A.
Other names: c.3876-6G>A (NM_001331010.2).
Identifiers: ClinVar variation 3036940 (VCV003036940.2), dbSNP rs757339162, ClinGen allele CA10012306.